The following is an entry in ClinVar:

ClinVar aggregate classification (germline): Pathogenic (1 of 4 stars; one submission).

Conditions:
Lynch syndrome 5 (LYNCH5). Also called: Colorectal cancer, hereditary nonpolyposis, type 5; Hereditary non-polyposis colorectal cancer, type 5. Identifiers: Orphanet 144, MedGen C1833477, MONDO:0013710, OMIM 614350. Disease mechanism: loss of function.

Submission:

Myriad Genetics, Inc.
Classification: Pathogenic for Lynch syndrome 5. Last evaluated: 2023-08-17. Review status: criteria provided, single submitter. Criteria: Myriad Autosomal Dominant, Autosomal Recessive and X-Linked Classification Criteria (2023). Collection method: clinical testing. Allele origin: unknown.
Comment: This variant is considered pathogenic. This variant creates a frameshift predicted to result in premature protein truncation.

NM_000179.3(MSH6):c.2622del (p.Met875fs)

Gene: MSH6 (mutS homolog 6; plus strand). Cytogenetic location: 2p16.3.
Variant type: Deletion.
Coding change: c.2622del on transcript NM_000179.3 (MANE Select); coding-DNA position 2622, one base deleted (C; older notation c.2622delC).
Protein change: p.Met875fs; shifts the reading frame from methionine 875.
Molecular consequence: frameshift variant. On other transcripts: non-coding transcript variant (5), intron variant (3).
Genome position (GRCh38, 1-based): chr2:47,800,605, C deleted. VCF-style (leftmost placement, unchanged base first): chr2-47800604-TC-T. GRCh37 (hg19) VCF-style: chr2-48027743-TC-T.
Other names: c.2232del, p.Met745fs (NM_001281492.2); c.1716del, p.Met573fs (NM_001281493.2, NM_001281494.2, NM_001406811.1 and 6 more transcripts); c.2718del, p.Met907fs (NM_001406795.1, NM_001406802.1); c.2622del, p.Met875fs (NM_001406796.1, NM_001406798.1, NM_001406800.1 and 2 more transcripts); c.2325del, p.Met776fs (NM_001406797.1, NM_001406801.1, NM_001406805.1 and 10 more transcripts); c.2097del, p.Met700fs (NM_001406799.1, NM_001406806.1, NM_001406807.1); c.2544del, p.Met849fs (NM_001406804.1); c.2628del, p.Met877fs (NM_001406813.1); and 4 more; short protein forms M573fs, M700fs, M745fs, M776fs, M819fs, M849fs, M875fs, M877fs.
Identifiers: ClinVar variation 2673655 (VCV002673655.1), dbSNP rs2530683685, ClinGen allele CA2695200561.
Genomic context (GRCh38, chr2:47,800,604, plus strand): 5'-AGATTATTGATTTTCTTTCTGCTCTGGAAGGATTCAAAGTAATGTGTAAAATTATAGGGA[TC>T]ATGGAAGAAGTTGCTGATGGTTTTAAGTCTAAAATCCTTAAGCAGGTCATCTCTCTGCAG-3'